The following is an entry in ClinVar:

ClinVar aggregate classification (germline): Likely benign. Review status: criteria provided, multiple submitters, no conflicts (2 of 4 stars). 3 submissions from 3 submitters: Likely benign (2). 1 of the submissions does not count toward it. Last evaluated 2026-01-28.

Conditions:
BBS12-related disorder. Also called: BBS12-related condition.
Bardet-Biedl syndrome (BBS). Identifiers: Orphanet 110, MedGen C0752166, MONDO:0015229.

Allele frequency attached by ClinVar (database versions not stated): gnomAD exomes below 0.00001; gnomAD 0.00002; TOPMed 0.00002.
gnomAD v4.1: 8 of 1,614,148 alleles (0.0005%); highest among the groups gnomAD compares: African/African-American, 0.0027%; no homozygotes.

Submissions (3):

Labcorp Genetics (formerly Invitae), Labcorp
Classification: Likely benign for Bardet-Biedl syndrome. Last evaluated: 2026-01-28. Review status: criteria provided, single submitter. Criteria: Invitae Variant Classification Sherloc (09022015). Collection method: clinical testing. Allele origin: germline.

Blueprint Genetics
Classification: Likely benign. Last evaluated: 2023-01-27. Review status: criteria provided, single submitter. Criteria: ACMG Guidelines, 2015. Collection method: clinical testing. Allele origin: germline.

PreventionGenetics, part of Exact Sciences
Classification: Likely benign for BBS12-related condition. Last evaluated: 2021-05-26. Review status: no assertion criteria provided. Collection method: clinical testing. Allele origin: germline. Not counted in ClinVar's aggregate classification.
Comment: This variant is classified as likely benign based on ACMG/AMP sequence variant interpretation guidelines (Richards et al. 2015 PMID: 25741868, with internal and published modifications).

NM_152618.3(BBS12):c.879A>G (p.Gln293=)

Gene: BBS12 (Bardet-Biedl syndrome 12; plus strand). Cytogenetic location: 4q27.
Variant type: single nucleotide variant.
Coding change: c.879A>G on transcript NM_152618.3 (MANE Select); coding-DNA position 879, A replaced by G.
Protein change: p.Gln293=; no amino-acid change (glutamine 293 retained).
Molecular consequence: synonymous variant.
Genome position (GRCh38, 1-based): chr4:122,742,771, A>G. VCF-style: chr4-122742771-A-G. GRCh37 (hg19) VCF-style: chr4-123663926-A-G.
Other names: c.879A>G (NM_152618.2); c.879A>G, p.Gln293= (NM_001178007.2).
Identifiers: ClinVar variation 1157110 (VCV001157110.10), dbSNP rs981575853, ClinGen allele CA105249190.